The following is an entry in ClinVar:

ClinVar aggregate classification (germline): Uncertain significance (1 of 4 stars; one submission).

Allele frequency attached by ClinVar (database versions not stated): gnomAD 0.00001 and 0.00002; gnomAD exomes 0.00001; TOPMed 0.00001.
gnomAD v4.1: 12 of 1,557,052 alleles (0.00077%); highest among the groups gnomAD compares: Non-Finnish European, 0.001%; no homozygotes.

Submission:

Labcorp Genetics (formerly Invitae), Labcorp
Classification: Uncertain significance. Last evaluated: 2024-12-24. Review status: criteria provided, single submitter. Criteria: Invitae Variant Classification Sherloc (09022015). Collection method: clinical testing. Allele origin: germline.
Comment: This sequence change replaces glycine, which is neutral and non-polar, with aspartic acid, which is acidic and polar, at codon 18 of the POLE2 protein (p.Gly18Asp). The frequency data for this variant in the population databases is considered unreliable, as metrics indicate poor data quality at this position in the gnomAD database. This variant has not been reported in the literature in individuals affected with POLE2-related conditions. ClinVar contains an entry for this variant (Variation ID: 1476630). An algorithm developed to predict the effect of missense changes on protein structure and function (PolyPhen-2) suggests that this variant is likely to be disruptive. In summary, the available evidence is currently insufficient to determine the role of this variant in disease. Therefore, it has been classified as a Variant of Uncertain Significance.

NM_002692.4(POLE2):c.53G>A (p.Gly18Asp)

Gene: POLE2 (DNA polymerase epsilon 2, accessory subunit; minus strand). Cytogenetic location: 14q21.3.
Variant type: single nucleotide variant.
Coding change: c.53G>A on transcript NM_002692.4 (MANE Select); coding-DNA position 53, G replaced by A.
Protein change: p.Gly18Asp; replaces glycine 18 with aspartic acid.
Molecular consequence: missense variant. On other transcripts: 5 prime UTR variant (1).
Genome position (GRCh38, 1-based): chr14:49,688,151, C>T on the plus strand (G>A on the coding strand, the complement: POLE2 is on the minus strand). VCF-style: chr14-49688151-C-T. GRCh37 (hg19) VCF-style: chr14-50154869-C-T.
Other names: c.53G>A, p.Gly18Asp (NM_001197330.2, NM_001197331.3, NM_001348384.2); c.-183G>A (NM_001348385.2); short protein forms G18D.
Identifiers: ClinVar variation 1476630 (VCV001476630.8), dbSNP rs902923829, ClinGen allele CA260664252.